The following is an entry in ClinVar:

NM_001099271.2(POC5):c.94G>A (p.Glu32Lys)

Gene: POC5 (POC5 centriolar protein; minus strand). Cytogenetic location: 5q13.3.
Variant type: single nucleotide variant.
Coding change: c.94G>A on transcript NM_001099271.2 (MANE Select); coding-DNA position 94, G replaced by A.
Protein change: p.Glu32Lys; replaces glutamic acid 32 with lysine.
Molecular consequence: missense variant.
Genome position (GRCh38, 1-based): chr5:75,707,866, C>T on the plus strand (G>A on the coding strand, the complement: POC5 is on the minus strand). VCF-style: chr5-75707866-C-T. GRCh37 (hg19) VCF-style: chr5-75003691-C-T.
Other names: c.94G>A (NM_001099271.1); c.19G>A, p.Glu7Lys (NM_152408.3); short protein forms E32K, E7K.
Identifiers: ClinVar variation 2075834 (VCV002075834.5), dbSNP rs921112569, ClinGen allele CA120985366.
Genomic context (GRCh38, chr5:75,707,866, plus strand): 5'-ATGACTGTGAAGCACAGGGTTCAATATTTGGAGTCACTATAGCATAATGAAGCAGTTCTT[C>T]ATATTCTTCCTAAGAGAGGCCAATAATCAATAATGTAGTGTAACAGTTACAATGTTATAA-3'
Protein context (NP_001092741.1, residues 22-42): SVSSNLQEEY[Glu32Lys]ELLHYAIVTP

ClinVar aggregate classification (germline): Uncertain significance. Review status: criteria provided, multiple submitters, no conflicts (2 of 4 stars). 2 submissions from 2 submitters: Uncertain significance (2). Last evaluated 2026-01-18.

Allele frequency attached by ClinVar (database versions not stated): gnomAD exomes below 0.00001; gnomAD 0.00003; TOPMed 0.00010.

Submissions (2):

Labcorp Genetics (formerly Invitae), Labcorp
Classification: Uncertain significance. Last evaluated: 2026-01-18. Review status: criteria provided, single submitter. Criteria: Invitae Variant Classification Sherloc (09022015). Collection method: clinical testing. Allele origin: germline.
Comment: This sequence change replaces glutamic acid, which is acidic and polar, with lysine, which is basic and polar, at codon 32 of the POC5 protein (p.Glu32Lys). This variant is not present in population databases (gnomAD no frequency). This variant has not been reported in the literature in individuals affected with POC5-related conditions. ClinVar contains an entry for this variant (Variation ID: 2075834). An algorithm developed to predict the effect of missense changes on protein structure and function (PolyPhen-2) suggests that this variant is likely to be disruptive. Algorithms developed to predict the effect of sequence changes on RNA splicing suggest that this variant may disrupt the consensus splice site. In summary, the available evidence is currently insufficient to determine the role of this variant in disease. Therefore, it has been classified as a Variant of Uncertain Significance.

Ambry Genetics
Classification: Uncertain significance. Last evaluated: 2024-08-19. Review status: criteria provided, single submitter. Criteria: Ambry Variant Classification Scheme 2023. Collection method: clinical testing. Allele origin: germline.